The following is an entry in ClinVar:

NM_005529.7(HSPG2):c.3888G>A (p.Lys1296=)

Gene: HSPG2 (heparan sulfate proteoglycan 2; minus strand). Cytogenetic location: 1p36.12.
Variant type: single nucleotide variant.
Coding change: c.3888G>A on transcript NM_005529.7 (MANE Select); coding-DNA position 3888, G replaced by A.
Protein change: p.Lys1296=; no amino-acid change (lysine 1296 retained).
Molecular consequence: synonymous variant.
Genome position (GRCh38, 1-based): chr1:21,872,997, C>T on the plus strand (G>A on the coding strand, the complement: HSPG2 is on the minus strand). VCF-style: chr1-21872997-C-T. GRCh37 (hg19) VCF-style: chr1-22199490-C-T.
Other names: c.3891G>A, p.Lys1297= (NM_001291860.2).
Identifiers: ClinVar variation 2116393 (VCV002116393.4), dbSNP rs2550752220, ClinGen allele CA416680706.

ClinVar aggregate classification (germline): Uncertain significance (1 of 4 stars; one submission).

Allele frequency attached by ClinVar (database versions not stated): gnomAD exomes below 0.00001.
gnomAD v4.1: 1 of 1,611,222 alleles (0.000062%); highest among the groups gnomAD compares: Non-Finnish European, 0.000085%; no homozygotes.

Submission:

Labcorp Genetics (formerly Invitae), Labcorp
Classification: Uncertain significance. Last evaluated: 2022-07-03. Review status: criteria provided, single submitter. Criteria: Invitae Variant Classification Sherloc (09022015). Collection method: clinical testing. Allele origin: germline.
Comment: In summary, the available evidence is currently insufficient to determine the role of this variant in disease. Therefore, it has been classified as a Variant of Uncertain Significance. Variants that disrupt the consensus splice site are a relatively common cause of aberrant splicing (PMID: 17576681, 9536098). Algorithms developed to predict the effect of sequence changes on RNA splicing suggest that this variant may disrupt the consensus splice site. This variant has not been reported in the literature in individuals affected with HSPG2-related conditions. This variant is not present in population databases (gnomAD no frequency). This sequence change affects codon 1296 of the HSPG2 mRNA. It is a 'silent' change, meaning that it does not change the encoded amino acid sequence of the HSPG2 protein. This variant also falls at the last nucleotide of exon 31, which is part of the consensus splice site for this exon.

Literature cited by the submitters: PubMed 17576681; PubMed 9536098.